The following is an entry in ClinVar:

ClinVar aggregate classification (germline): Benign. Review status: criteria provided, multiple submitters, no conflicts (2 of 4 stars). 2 submissions from 2 submitters: Benign (2). Last evaluated 2018-01-13.

Conditions:
Peroxisome biogenesis disorder 11A (Zellweger). Also called: Peroxisome biogenesis disorder 11A. Identifiers: Orphanet 912, MedGen C3554000, MONDO:0013949, OMIM 614883.

Allele frequency attached by ClinVar (database versions not stated): gnomAD 0.66023 and 0.64482; 1000 Genomes Project 0.61601; 1000 Genomes Project 30x 0.62633; TOPMed 0.66554; gnomAD exomes 0.57031.
gnomAD v4.1: 98,287 of 152,298 alleles (65%); highest among the groups gnomAD compares: African/African-American, 87%; 33,521 homozygotes.

Submissions (2):

Illumina Laboratory Services, Illumina
Classification: Benign for Peroxisome biogenesis disorder 11A (Zellweger). Last evaluated: 2018-01-13. Review status: criteria provided, single submitter. Criteria: ICSL Variant Classification Criteria 13 December 2019. Collection method: clinical testing. Allele origin: germline.
Comment: This variant was observed in the ICSL laboratory as part of a predisposition screen in an ostensibly healthy population. It had not been previously curated by ICSL or reported in the Human Gene Mutation Database (HGMD: prior to June 1st, 2018), and was therefore a candidate for classification through an automated scoring system. Utilizing variant allele frequency, disease prevalence and penetrance estimates, and inheritance mode, an automated score was calculated to assess if this variant is too frequent to cause the disease. Based on the score and internal cut-off values, a variant classified as benign is not then subjected to further curation. The score for this variant resulted in a classification of benign for this disease.

Breakthrough Genomics
Classification: Benign. Review status: criteria provided, single submitter. Criteria: ACMG Guidelines, 2015. Collection method: not provided. Allele origin: germline. Inheritance: Autosomal recessive inheritance. Affected: yes.

NM_002618.4(PEX13):c.*2147A>G

Gene: PEX13 (peroxisomal biogenesis factor 13; plus strand). Cytogenetic location: 2p15.
Variant type: single nucleotide variant.
Coding change: c.*2147A>G on transcript NM_002618.4 (MANE Select); 2147 bases downstream of the stop codon, A replaced by G.
Molecular consequence: 3 prime UTR variant.
Genome position (GRCh38, 1-based): chr2:61,050,917, A>G. VCF-style: chr2-61050917-A-G. GRCh37 (hg19) VCF-style: chr2-61278052-A-G.
Identifiers: ClinVar variation 336699 (VCV000336699.6), dbSNP rs2564097, ClinGen allele CA10615681.